The following is an entry in ClinVar:

ClinVar aggregate classification (germline): Conflicting classifications of pathogenicity. Review status: criteria provided, conflicting classifications (1 of 4 stars). 3 submissions from 3 submitters: Likely pathogenic (1); Uncertain significance (2). Last evaluated 2024-10-19.

Conditions:
PKD1-related disorder. Also called: PKD1-related condition.
Polycystic kidney disease, adult type (PKD1). Also called: Polycystic Kidney, Autosomal Dominant; Polycystic Kidney Disease 1, Autosomal Dominant; Polycystic kidney disease 1; Polycystic kidney disease 1, severe; POLYCYSTIC KIDNEY DISEASE, ADULT, TYPE I; POLYCYSTIC KIDNEY DISEASE 1 WITH OR WITHOUT POLYCYSTIC LIVER DISEASE. Identifiers: MedGen C3149841, MONDO:0008263, OMIM 173900.

Allele frequency attached by ClinVar (database versions not stated): gnomAD exomes below 0.00001 and 0.00001; TOPMed below 0.00001; gnomAD 0.00001; ExAC 0.00003.
gnomAD v4.1: 7 of 1,575,466 alleles (0.00044%); highest among the groups gnomAD compares: African/African-American, 0.0027%; no homozygotes.

Submissions (3):

PreventionGenetics, part of Exact Sciences
Classification: Uncertain significance for PKD1-related condition. Last evaluated: 2024-10-19. Review status: criteria provided, single submitter. Criteria: ACMG Guidelines, 2015. Collection method: clinical testing. Allele origin: germline.
Comment: The PKD1 c.3494A>G variant is predicted to result in the amino acid substitution p.Asp1165Gly. This variant has been reported in the compound heterozygous state in a patient with bilateral renal cysts (Bekheirnia et al. 2020. PubMed ID: 35368817). This variant has been reported as a variant of uncertain significance in a reputable ADPKD-specific variant database. This variant is reported in 0.023% of alleles in individuals of Ashkenazi Jewish descent in gnomAD. This variant falls within a highly paralogous region. Allele frequency data should be interpreted with caution. At this time, the clinical significance of this variant is uncertain due to the absence of conclusive functional and genetic evidence.

Fulgent Genetics
Classification: Likely pathogenic for Polycystic kidney disease, adult type. Last evaluated: 2024-03-02. Review status: criteria provided, single submitter. Criteria: ACMG Guidelines, 2015. Collection method: clinical testing. Allele origin: germline.

GeneDx
Classification: Uncertain significance. Last evaluated: 2021-06-14. Review status: criteria provided, single submitter. Criteria: GeneDx Variant Classification Process June 2021. Collection method: clinical testing. Allele origin: germline. Affected: yes.
Comment: Identified in the compound heterozygous state with a second PKD1 missense variant in a patient with bilateral renal cysts in published literature (Bekheirnia N et al., 2021); In silico analysis supports that this missense variant has a deleterious effect on protein structure/function; This variant is associated with the following publications: (PMID: 27535533, Bekheirnia2021[CaseReport], 30369598)

NM_001009944.3(PKD1):c.3494A>G (p.Asp1165Gly)

Gene: PKD1 (polycystin 1, transient receptor potential channel interacting; minus strand). Cytogenetic location: 16p13.3.
Variant type: single nucleotide variant.
Coding change: c.3494A>G on transcript NM_001009944.3 (MANE Select); coding-DNA position 3494, A replaced by G.
Protein change: p.Asp1165Gly; replaces aspartic acid 1165 with glycine.
Molecular consequence: missense variant.
Genome position (GRCh38, 1-based): chr16:2,111,673, T>C on the plus strand (A>G on the coding strand, the complement: PKD1 is on the minus strand). VCF-style: chr16-2111673-T-C. GRCh37 (hg19) VCF-style: chr16-2161674-T-C.
Other names: c.3494A>G, p.Asp1165Gly (NM_000296.4); short protein forms D1165G.
Identifiers: ClinVar variation 1218761 (VCV001218761.7), dbSNP rs751293870, ClinGen allele CA7832753.
Genomic context (GRCh38, chr16:2,111,673, plus strand): 5'-CCCCTCGAGGCATAGGTGTGGTTGGCAGCCGGCTGGCTCTGGGTCAGGACAGGGGAGCCG[T>C]CCCCGAAGTCCCACGTGTAAAGAACACCCCCAGGCGAGGGCAGCGGGTGCGGGTAGAAGG-3'
Protein context (NP_001009944.3, residues 1155-1175): GGVLYTWDFG[Asp1165Gly]GSPVLTQSQP